The following is an entry in ClinVar:

NM_144670.6(A2ML1):c.3346A>G (p.Met1116Val)

Gene: A2ML1 (alpha-2-macroglobulin like 1; plus strand). Cytogenetic location: 12p13.31.
Variant type: single nucleotide variant.
Coding change: c.3346A>G on transcript NM_144670.6 (MANE Select); coding-DNA position 3346, A replaced by G.
Protein change: p.Met1116Val; replaces methionine 1116 with valine.
Molecular consequence: missense variant.
Genome position (GRCh38, 1-based): chr12:8,861,141, A>G. VCF-style: chr12-8861141-A-G. GRCh37 (hg19) VCF-style: chr12-9013737-A-G.
Other names: c.1873A>G, p.Met625Val (NM_001282424.3); short protein forms M1116V, M625V.
Identifiers: ClinVar variation 413825 (VCV000413825.18), dbSNP rs79889829, ClinGen allele CA6436359.

ClinVar aggregate classification (germline): Conflicting classifications of pathogenicity. Review status: criteria provided, conflicting classifications (1 of 4 stars). 5 submissions from 5 submitters: Uncertain significance (1); Likely benign (3). 1 of the submissions does not count toward it. Last evaluated 2026-01-29.

Conditions:
A2ML1-related disorder. Also called: A2ML1-related condition.

Allele frequency attached by ClinVar (database versions not stated): 1000 Genomes Project 30x 0.00031; TOPMed 0.00046; ESP Exome Variant Server 0.00066; 1000 Genomes Project 0.00040.

Submissions (5):

Labcorp Genetics (formerly Invitae), Labcorp
Classification: Likely benign. Last evaluated: 2026-01-29. Review status: criteria provided, single submitter. Criteria: Invitae Variant Classification Sherloc (09022015). Collection method: clinical testing. Allele origin: germline.

Ambry Genetics
Classification: Uncertain significance. Last evaluated: 2025-12-01. Review status: criteria provided, single submitter. Criteria: Ambry Variant Classification Scheme 2023. Collection method: clinical testing. Allele origin: germline.
Comment: The p.M1116V variant (also known as c.3346A>G), located in coding exon 28 of the A2ML1 gene, results from an A to G substitution at nucleotide position 3346. The methionine at codon 1116 is replaced by valine, an amino acid with highly similar properties. This amino acid position is conserved. In addition, this alteration is predicted to be tolerated by in silico analysis. Since supporting evidence is limited at this time, the clinical significance of this alteration remains unclear.

Women's Health and Genetics/Laboratory Corporation of America, LabCorp
Classification: Likely benign. Last evaluated: 2021-04-05. Review status: criteria provided, single submitter. Criteria: LabCorp Variant Classification Summary - May 2015. Collection method: clinical testing. Allele origin: germline.
Comment: Variant summary: A2ML1 c.3346A>G (p.Met1116Val) results in a conservative amino acid change located in the Alpha-macroglobulin-like, TED domain (IPR011626) of the encoded protein sequence. Five of five in-silico tools predict a benign effect of the variant on protein function. The variant allele was found at a frequency of 0.00019 in 249414 control chromosomes, predominantly at a frequency of 0.0011 within the African or African-American subpopulation in the gnomAD database. The observed variant frequency within African or African-American control individuals in the gnomAD database is approximately 275 fold of the estimated maximal expected allele frequency for a pathogenic variant in A2ML1 causing Noonan Syndrome phenotype (4e-06), strongly suggesting that the variant is a benign polymorphism found primarily in populations of African or African-American origin. To our knowledge, no occurrence of c.3346A>G in individuals affected with Noonan Syndrome and no experimental evidence demonstrating its impact on protein function have been reported. One ClinVar submitter (evaluation after 2014) cites the variant as likely benign. Based on the evidence outlined above, the variant was classified as likely benign.

Breakthrough Genomics
Classification: Likely benign. Review status: criteria provided, single submitter. Criteria: ACMG Guidelines, 2015. Collection method: not provided. Allele origin: germline. Inheritance: Autosomal dominant inheritance. Affected: yes.

PreventionGenetics, part of Exact Sciences
Classification: Likely benign for A2ML1-related condition. Last evaluated: 2023-09-19. Review status: no assertion criteria provided. Collection method: clinical testing. Allele origin: germline. Not counted in ClinVar's aggregate classification.
Comment: This variant is classified as likely benign based on ACMG/AMP sequence variant interpretation guidelines (Richards et al. 2015 PMID: 25741868, with internal and published modifications).